The following is an entry in ClinVar:

ClinVar aggregate classification (germline): Uncertain significance (1 of 4 stars; one submission).

Submission:

Ambry Genetics
Classification: Uncertain significance. Last evaluated: 2022-11-05. Review status: criteria provided, single submitter. Criteria: Ambry Variant Classification Scheme 2023. Collection method: clinical testing. Allele origin: germline.
Comment: The p.S745N variant (also known as c.2234G>A), located in coding exon 13 of the NPAT gene, results from a G to A substitution at nucleotide position 2234. The serine at codon 745 is replaced by asparagine, an amino acid with highly similar properties. This amino acid position is conserved. In addition, this alteration is predicted to be tolerated by in silico analysis. Since supporting evidence is limited at this time, the clinical significance of this alteration remains unclear.

NM_002519.3(NPAT):c.2234G>A (p.Ser745Asn)

Gene: NPAT (nuclear protein, coactivator of histone transcription; minus strand). Cytogenetic location: 11q22.3.
Variant type: single nucleotide variant.
Coding change: c.2234G>A on transcript NM_002519.3 (MANE Select); coding-DNA position 2234, G replaced by A.
Protein change: p.Ser745Asn; replaces serine 745 with asparagine.
Molecular consequence: missense variant.
Genome position (GRCh38, 1-based): chr11:108,172,750, C>T on the plus strand (G>A on the coding strand, the complement: NPAT is on the minus strand). VCF-style: chr11-108172750-C-T. GRCh37 (hg19) VCF-style: chr11-108043477-C-T.
Other names: c.2234G>A, p.Ser745Asn (NM_001321307.1); short protein forms S745N.
Identifiers: ClinVar variation 2496691 (VCV002496691.2), dbSNP rs2077965120, ClinGen allele CA382513403.